The following is an entry in ClinVar:

NM_000807.4(GABRA2):c.1169G>C (p.Ser390Thr)

Gene: GABRA2 (gamma-aminobutyric acid type A receptor subunit alpha2; minus strand). Cytogenetic location: 4p12.
Variant type: single nucleotide variant.
Coding change: c.1169G>C on transcript NM_000807.4 (MANE Select); coding-DNA position 1169, G replaced by C.
Protein change: p.Ser390Thr; replaces serine 390 with threonine.
Molecular consequence: missense variant.
Genome position (GRCh38, 1-based): chr4:46,250,495, C>G on the plus strand (G>C on the coding strand, the complement: GABRA2 is on the minus strand). VCF-style: chr4-46250495-C-G. GRCh37 (hg19) VCF-style: chr4-46252512-C-G.
Other names: c.1169G>C, p.Ser390Thr (NM_001114175.3, NM_001377146.1, NM_001377147.1 and 4 more transcripts); c.1184G>C, p.Ser395Thr (NM_001286827.3); c.1349G>C, p.Ser450Thr (NM_001330690.2, NM_001377144.1, NM_001377145.1); c.1004G>C, p.Ser335Thr (NM_001377152.1, NM_001377153.1, NM_001377154.1); short protein forms S390T, S450T, S395T, S335T.
Identifiers: ClinVar variation 2844152 (VCV002844152.3), dbSNP rs1020432310, ClinGen allele CA356802504.
Genomic context (GRCh38, chr4:46,250,495, plus strand): 5'-GTTTTCTTTGCTTCAGCTGGCTTGTTTTCTGGCTTCTTGTTGGGTTCTGGCGTGGTTGCA[C>G]TCTTGGAGATGGTGGAGAGAACTGGATCTTTTGAAAGATTCGGGGCATAATTGGCAACAG-3'
Protein context (NP_000798.2, residues 380-400): KDPVLSTISK[Ser390Thr]ATTPEPNKKP

ClinVar aggregate classification (germline): Uncertain significance (1 of 4 stars; one submission).

Submission:

Labcorp Genetics (formerly Invitae), Labcorp
Classification: Uncertain significance. Last evaluated: 2023-03-17. Review status: criteria provided, single submitter. Criteria: Invitae Variant Classification Sherloc (09022015). Collection method: clinical testing. Allele origin: germline.
Comment: Experimental studies and prediction algorithms are not available or were not evaluated, and the functional significance of this variant is currently unknown. In summary, the available evidence is currently insufficient to determine the role of this variant in disease. Therefore, it has been classified as a Variant of Uncertain Significance. This variant has not been reported in the literature in individuals affected with GABRA2-related conditions. This variant is not present in population databases (gnomAD no frequency). This sequence change replaces serine, which is neutral and polar, with threonine, which is neutral and polar, at codon 450 of the GABRA2 protein (p.Ser450Thr).